The following is an entry in ClinVar:

ClinVar aggregate classification (germline): Likely benign (0 of 4 stars; one submission).

Conditions:
THBS2-related disorder. Also called: THBS2-related condition.

Allele frequency attached by ClinVar (database versions not stated): 1000 Genomes Project 30x 0.00156; ESP Exome Variant Server 0.00169; 1000 Genomes Project 0.00180.
gnomAD v4.1: 463 of 1,613,770 alleles (0.029%); highest among the groups gnomAD compares: African/African-American, 0.58%; 1 homozygote.

Submission:

PreventionGenetics, part of Exact Sciences
Classification: Likely benign for THBS2-related condition. Last evaluated: 2019-10-28. Review status: no assertion criteria provided. Collection method: clinical testing. Allele origin: germline.
Comment: This variant is classified as likely benign based on ACMG/AMP sequence variant interpretation guidelines (Richards et al. 2015 PMID: 25741868, with internal and published modifications).

NM_003247.5(THBS2):c.2250C>G (p.Thr750=)

Genes: THBS2 (thrombospondin 2; minus strand), THBS2-AS1 (THBS2 antisense RNA 1; plus strand). Cytogenetic location: 6q27.
Variant type: single nucleotide variant.
Coding change: c.2250C>G on transcript NM_003247.5 (MANE Select); coding-DNA position 2250, C replaced by G.
Protein change: p.Thr750=; no amino-acid change (threonine 750 retained).
Molecular consequence: synonymous variant. On other transcripts: non-coding transcript variant (2).
Genome position (GRCh38, 1-based): chr6:169,229,581, G>C on the plus strand (C>G on the coding strand, the complement: THBS2 is on the minus strand). VCF-style: chr6-169229581-G-C. GRCh37 (hg19) VCF-style: chr6-169629676-G-C.
Other names: c.2076C>G, p.Thr692= (NM_001381939.1); c.2019C>G, p.Thr673= (NM_001381942.1).
Identifiers: ClinVar variation 3040909 (VCV003040909.2), dbSNP rs143333491, ClinGen allele CA4103048.